The following is an entry in ClinVar:

NM_004817.4(TJP2):c.2992-8C>T

Gene: TJP2 (tight junction protein 2; plus strand). Cytogenetic location: 9q21.11.
Variant type: single nucleotide variant.
Coding change: c.2992-8C>T on transcript NM_004817.4 (MANE Select); 8 bases into the intron before coding-DNA position 2992, C replaced by T.
Molecular consequence: intron variant.
Genome position (GRCh38, 1-based): chr9:69,251,027, C>T. VCF-style: chr9-69251027-C-T. GRCh37 (hg19) VCF-style: chr9-71865943-C-T.
Other names: c.2812-1788C>T (NM_001170414.2); c.2917-8C>T (NM_001369870.1); c.2923-8C>T (NM_001369871.1); c.2881-1788C>T (NM_201629.3); c.2881-8C>T (NM_001369872.1); c.2668-8C>T (NM_001369873.1); c.2893-8C>T (NM_001170415.1); c.3085-8C>T (NM_001170416.2); and 2 more.
Identifiers: ClinVar variation 45109 (VCV000045109.44), dbSNP rs143965233, ClinGen allele CA135543.

ClinVar aggregate classification (germline): Benign/Likely benign. Review status: criteria provided, multiple submitters, no conflicts (2 of 4 stars). 9 submissions from 9 submitters: Benign (4); Likely benign (3). 2 of the submissions do not count toward it. Last evaluated 2026-01-08.

Conditions:
Hypercholanemia, familial 1 (FHCA1). Identifiers: Orphanet 238475, MedGen C5542604, MONDO:0031446, OMIM 607748.
Cholestasis, progressive familial intrahepatic, 4. Identifiers: Orphanet 480483, Orphanet 79304, MedGen C2931067, MONDO:0014381, OMIM 615878.

Allele frequency attached by ClinVar (database versions not stated): gnomAD exomes 0.00127 and 0.00198; ExAC 0.00130; TOPMed 0.00309; gnomAD 0.00311 and 0.00327; 1000 Genomes Project 0.00319; ESP Exome Variant Server 0.00338; 1000 Genomes Project 30x 0.00375.

Submissions (9):

Labcorp Genetics (formerly Invitae), Labcorp
Classification: Benign. Last evaluated: 2026-01-08. Review status: criteria provided, single submitter. Criteria: Invitae Variant Classification Sherloc (09022015). Collection method: clinical testing. Allele origin: germline.

Blueprint Genetics
Classification: Likely benign. Last evaluated: 2024-11-21. Review status: criteria provided, single submitter. Criteria: ACMG Guidelines, 2015. Collection method: clinical testing. Allele origin: germline.

CeGaT Center for Human Genetics Tuebingen
Classification: Likely benign. Last evaluated: 2024-02-01. Review status: criteria provided, single submitter. Criteria: CeGaT Center For Human Genetics Tuebingen Variant Classification Criteria Version 2. Collection method: clinical testing. Allele origin: germline. Affected: yes. Observed: 1 variant allele.
Comment: TJP2: BP4

Fulgent Genetics
Classification: Benign for Hypercholanemia, familial 1; Cholestasis, progressive familial intrahepatic, 4. Last evaluated: 2022-02-28. Review status: criteria provided, single submitter. Criteria: ACMG Guidelines, 2015. Collection method: clinical testing. Allele origin: unknown.

GeneDx
Classification: Benign. Last evaluated: 2019-12-06. Review status: criteria provided, single submitter. Criteria: GeneDx Variant Classification Process June 2021. Collection method: clinical testing. Allele origin: germline. Affected: yes.

Eurofins Ntd Llc (ga)
Classification: Benign. Last evaluated: 2015-06-18. Review status: criteria provided, single submitter. Criteria: EGL Classification Definitions 2015. Collection method: clinical testing. Allele origin: germline. Observed: 1 variant allele, 1 heterozygote.

Laboratory for Molecular Medicine, Mass General Brigham Personalized Medicine
Classification: Likely benign. Last evaluated: 2013-02-07. Review status: criteria provided, single submitter. Criteria: LMM Criteria. Collection method: clinical testing. Allele origin: germline. Observed: 3 variant alleles.
Comment: 2992-8C>T in intron 20A of TJP2: This variant is not expected to have clinical s ignificance because it has been identified in 0.7% (29/4406) of African American chromosomes from a broad population by the NHLBI Exome Sequencing Project (dbSNP rs143965233).

Clinical Genetics DNA and cytogenetics Diagnostics Lab, Erasmus MC, Erasmus Medical Center
Classification: Likely benign. Review status: no assertion criteria provided. Collection method: clinical testing. Allele origin: germline. Affected: yes. Study: VKGL Data-share Consensus. Not counted in ClinVar's aggregate classification.

Genome Diagnostics Laboratory, University Medical Center Utrecht
Classification: Likely benign. Review status: no assertion criteria provided. Collection method: clinical testing. Allele origin: germline. Affected: yes. Study: VKGL Data-share Consensus. Not counted in ClinVar's aggregate classification.